The following is an entry in ClinVar:

NM_006440.5(TXNRD2):c.103+197G>A

Gene: TXNRD2 (thioredoxin reductase 2; minus strand). Cytogenetic location: 22q11.21.
Variant type: single nucleotide variant.
Coding change: c.103+197G>A on transcript NM_006440.5 (MANE Select); 197 bases into the intron after coding-DNA position 103, G replaced by A.
Molecular consequence: intron variant.
Genome position (GRCh38, 1-based): chr22:19,941,504, C>T on the plus strand (G>A on the coding strand, the complement: TXNRD2 is on the minus strand). VCF-style: chr22-19941504-C-T. GRCh37 (hg19) VCF-style: chr22-19929027-C-T.
Other names: c.103+197G>A (NM_001352300.2, NM_001282512.3).
Identifiers: ClinVar variation 225950 (VCV000225950.5), dbSNP rs13306278, ClinGen allele CA10576191.

ClinVar aggregate classification (germline): Benign. Review status: criteria provided, multiple submitters, no conflicts (2 of 4 stars). 2 submissions from 2 submitters: Benign (2). Last evaluated 2018-06-14.

Allele frequency attached by ClinVar (database versions not stated): TOPMed 0.09162; 1000 Genomes Project 0.07728; gnomAD 0.09811 and 0.09627; 1000 Genomes Project 30x 0.07636.

Submissions (2):

GeneDx
Classification: Benign. Last evaluated: 2018-06-14. Review status: criteria provided, single submitter. Criteria: GeneDx Variant Classification (06012015). Collection method: clinical testing. Allele origin: germline. Affected: yes.
Comment: This variant is considered likely benign or benign based on one or more of the following criteria: it is a conservative change, it occurs at a poorly conserved position in the protein, it is predicted to be benign by multiple in silico algorithms, and/or has population frequency not consistent with disease.

Breakthrough Genomics
Classification: Benign. Review status: criteria provided, single submitter. Criteria: ACMG Guidelines, 2015. Collection method: not provided. Allele origin: germline. Inheritance: Autosomal recessive inheritance. Affected: yes.